The following is an entry in ClinVar:

ClinVar aggregate classification (germline): Uncertain significance (1 of 4 stars; one submission).

Conditions:
Cardiomyopathy (CMYO). Also called: Cardiomyopathies. Identifiers: Orphanet 167848, MedGen C0878544, MONDO:0004994, HP:0001638. Inheritance: Various modes of inheritance.

Submission:

Color Diagnostics, LLC DBA Color Health
Classification: Uncertain significance for Cardiomyopathy. Last evaluated: 2024-03-06. Review status: criteria provided, single submitter. Criteria: ACMG Guidelines, 2015. Collection method: clinical testing. Allele origin: germline.
Comment: This missense variant replaces alanine with glycine at codon 3059 of the RYR2 protein. Computational prediction suggests that this variant may not impact protein structure and function (internally defined REVEL score threshold <= 0.5, PMID: 27666373). Splice site prediction tools suggest that this variant may not impact RNA splicing. To our knowledge, functional studies have not been performed for this variant. This variant has not been reported in individuals affected with cardiovascular disorders in the literature. This variant has not been identified in the general population by the Genome Aggregation Database (gnomAD). The available evidence is insufficient to determine the role of this variant in disease conclusively. Therefore, this variant is classified as a Variant of Uncertain Significance.

NM_001035.3(RYR2):c.9176C>G (p.Ala3059Gly)

Gene: RYR2 (ryanodine receptor 2; plus strand). Cytogenetic location: 1q43.
Variant type: single nucleotide variant.
Coding change: c.9176C>G on transcript NM_001035.3 (MANE Select); coding-DNA position 9176, C replaced by G.
Protein change: p.Ala3059Gly; replaces alanine 3059 with glycine.
Molecular consequence: missense variant.
Genome position (GRCh38, 1-based): chr1:237,700,276, C>G. VCF-style: chr1-237700276-C-G. GRCh37 (hg19) VCF-style: chr1-237863576-C-G.
Other names: short protein forms A3059G.
Identifiers: ClinVar variation 925551 (VCV000925551.4), dbSNP rs1687852457, ClinGen allele CA345405552.
Genomic context (GRCh38, chr1:237,700,276, plus strand): 5'-ATTTACTTTCTAGGACAGTGATGAAGACTGGCCTGGAGAGTGTTAAAAGTGCACTCAGAG[C>G]TTTTCTGGACAACGCTGCAGAGGATCTGGAGAAGACCATGGAAAACCTCAAGCAGGGCCA-3'
Protein context (NP_001026.2, residues 3049-3069): GLESVKSALR[Ala3059Gly]FLDNAAEDLE